The following is an entry in ClinVar:

NM_000368.5(TSC1):c.546C>T (p.Ala182=)

Gene: TSC1 (TSC complex subunit 1; minus strand). Cytogenetic location: 9q34.13.
Variant type: single nucleotide variant.
Coding change: c.546C>T on transcript NM_000368.5 (MANE Select); coding-DNA position 546, C replaced by T.
Protein change: p.Ala182=; no amino-acid change (alanine 182 retained).
Molecular consequence: synonymous variant.
Genome position (GRCh38, 1-based): chr9:132,921,936, G>A on the plus strand (C>T on the coding strand, the complement: TSC1 is on the minus strand). VCF-style: chr9-132921936-G-A. GRCh37 (hg19) VCF-style: chr9-135797323-G-A.
Other names: c.546C>T, p.Ala182= (NM_001162426.2); c.393C>T, p.Ala131= (NM_001162427.2); c.183C>T, p.Ala61= (NM_001362177.2).
Identifiers: ClinVar variation 755050 (VCV000755050.15), dbSNP rs1245007527, ClinGen allele CA467593825.

ClinVar aggregate classification (germline): Conflicting classifications of pathogenicity. Review status: criteria provided, conflicting classifications (1 of 4 stars). 5 submissions from 5 submitters: Uncertain significance (1); Benign (1); Likely benign (3). Last evaluated 2025-09-01.

Conditions:
Hereditary cancer-predisposing syndrome. Also called: Tumor predisposition; Hereditary Cancer Syndrome; Neoplastic Syndromes, Hereditary; Hereditary neoplastic syndrome. Identifiers: Orphanet 140162, MedGen C0027672, MeSH D009386, MONDO:0015356.
Tuberous sclerosis syndrome (TSC). Also called: Tuberous sclerosis; Tuberous Sclerosis Complex. Identifiers: Orphanet 805, MedGen C0041341, MONDO:0001734.
Tuberous sclerosis 1 (TSC1). Identifiers: Orphanet 805, MedGen C1854465, MONDO:0008612, OMIM 191100.

Allele frequency attached by ClinVar (database versions not stated): gnomAD exomes below 0.00001; TOPMed below 0.00001; gnomAD 0.00001.
gnomAD v4.1: 2 of 1,614,042 alleles (0.00012%); highest among the groups gnomAD compares: Non-Finnish European, 0.00017%; no homozygotes.

Submissions (5):

Color Diagnostics, LLC DBA Color Health
Classification: Likely benign for Tuberous sclerosis syndrome. Last evaluated: 2025-09-01. Review status: criteria provided, single submitter. Criteria: ACMG Guidelines, 2015. Collection method: clinical testing. Allele origin: germline.

Labcorp Genetics (formerly Invitae), Labcorp
Classification: Likely benign for Tuberous sclerosis 1. Last evaluated: 2025-08-07. Review status: criteria provided, single submitter. Criteria: Invitae Variant Classification Sherloc (09022015). Collection method: clinical testing. Allele origin: germline.

Myriad Genetics, Inc.
Classification: Benign for Tuberous sclerosis 1. Last evaluated: 2025-04-08. Review status: criteria provided, single submitter. Criteria: Myriad Autosomal Dominant, Autosomal Recessive and X-Linked Classification Criteria (2023). Collection method: clinical testing. Allele origin: unknown.
Comment: This variant is considered benign. This variant is a silent/synonymous amino acid change and it is not expected to impact splicing.

Sema4
Classification: Uncertain significance for Hereditary cancer-predisposing syndrome. Last evaluated: 2021-04-22. Review status: criteria provided, single submitter. Criteria: Sema4 Curation Guidelines. Collection method: curation. Allele origin: germline.
Comment: The TSC1 c.546C>T (p.A182=) variant has not been reported in the literature to our knowledge. It has not been observed in the large and broad cohorts of the Genome Aggregation Database (PMID: 32461654), but has been reported in ClinVar (Variation ID 755050). The nucleotide is moderately conserved and in silico tools suggest the variant may disrupt normal splicing, though these predictions have not been confirmed by functional studies. The evidence is insufficient to meet ACMG/AMP criteria for classifying the variant as benign or pathogenic. Thus, the clinical significance of this variant is currently uncertain.

Ambry Genetics
Classification: Likely benign for Hereditary cancer-predisposing syndrome. Last evaluated: 2019-11-11. Review status: criteria provided, single submitter. Criteria: Ambry Variant Classification Scheme 2023. Collection method: clinical testing. Allele origin: germline.